The following is an entry in ClinVar:

ClinVar aggregate classification (germline): Pathogenic/Likely pathogenic. Review status: criteria provided, multiple submitters, no conflicts (2 of 4 stars). 4 submissions from 4 submitters: Pathogenic (1); Likely pathogenic (3). Last evaluated 2025-03-31.

Conditions:
Fanconi anemia (FA). Also called: Fanconi's anemia. Identifiers: Orphanet 84, MedGen C0015625, MeSH D005199, MONDO:0019391.
Fanconi anemia complementation group D2. Also called: FANCD2-Related Fanconi Anemia; FANCONI PANCYTOPENIA, TYPE 4; FANCONI ANEMIA, COMPLEMENTATION GROUP D. Identifiers: Orphanet 84, MedGen C3160738, MONDO:0009214, OMIM 227646.

Allele frequency attached by ClinVar (database versions not stated): TOPMed 0.00001.

Submissions (4):

Labcorp Genetics (formerly Invitae), Labcorp
Classification: Pathogenic for Fanconi anemia. Last evaluated: 2025-03-31. Review status: criteria provided, single submitter. Criteria: Invitae Variant Classification Sherloc (09022015). Collection method: clinical testing. Allele origin: germline.
Comment: This sequence change creates a premature translational stop signal (p.Arg328*) in the FANCD2 gene. It is expected to result in an absent or disrupted protein product. Loss-of-function variants in FANCD2 are known to be pathogenic (PMID: 17436244). This variant is not present in population databases (gnomAD no frequency). This variant has not been reported in the literature in individuals affected with FANCD2-related conditions. ClinVar contains an entry for this variant (Variation ID: 1456103). For these reasons, this variant has been classified as Pathogenic.

Baylor Genetics
Classification: Likely pathogenic for Fanconi anemia complementation group D2. Last evaluated: 2024-01-16. Review status: criteria provided, single submitter. Criteria: ACMG Guidelines, 2015. Collection method: clinical testing. Allele origin: unknown.

Fulgent Genetics
Classification: Likely pathogenic for Fanconi anemia complementation group D2. Last evaluated: 2024-01-10. Review status: criteria provided, single submitter. Criteria: ACMG Guidelines, 2015. Collection method: clinical testing. Allele origin: germline.

Women's Health and Genetics/Laboratory Corporation of America, LabCorp
Classification: Likely pathogenic for Fanconi anemia. Last evaluated: 2022-09-07. Review status: criteria provided, single submitter. Criteria: LabCorp Variant Classification Summary - May 2015. Collection method: clinical testing. Allele origin: germline.
Comment: Variant summary: FANCD2 c.982C>T (p.Arg328X) results in a premature termination codon, predicted to cause a truncation of the encoded protein or absence of the protein due to nonsense mediated decay, which are commonly known mechanisms for disease. Truncations downstream of this position have been cited as pathogenic and disease-associated in ClinVar and HGMD. The variant was absent in 251246 control chromosomes (gnomAD). To our knowledge, no occurrence of c.982C>T in individuals affected with Fanconi Anemia and no experimental evidence demonstrating its impact on protein function have been reported. One clinical diagnostic laboratory has submitted clinical-significance assessments for this variant to ClinVar after 2014 and classified the variant as pathogenic. Based on the evidence outlined above, the variant was classified as likely pathogenic.

Literature cited by the submitters: PubMed 17436244 (cited by Labcorp Genetics (formerly Invitae), Labcorp).

NM_001018115.3(FANCD2):c.982C>T (p.Arg328Ter)

Genes: FANCD2 (FA complementation group D2; plus strand), LOC107303338 (3p25 FANCD2 Alu-mediated recombination region; plus strand). Cytogenetic location: 3p25.3.
Variant type: single nucleotide variant.
Coding change: c.982C>T on transcript NM_001018115.3 (MANE Select); coding-DNA position 982, C replaced by T.
Protein change: p.Arg328Ter; replaces arginine 328 with a stop codon.
Molecular consequence: nonsense.
Genome position (GRCh38, 1-based): chr3:10,043,143, C>T. VCF-style: chr3-10043143-C-T. GRCh37 (hg19) VCF-style: chr3-10084827-C-T.
Other names: c.982C>T, p.Arg328Ter (NM_001319984.2, NM_001374253.1, NM_001374254.1 and 1 more transcripts); short protein forms R328*.
Identifiers: ClinVar variation 1456103 (VCV001456103.10), dbSNP rs1223055462, ClinGen allele CA351730164.